The following is an entry in ClinVar:

NM_006231.4(POLE):c.730T>C (p.Tyr244His)

Gene: POLE (DNA polymerase epsilon, catalytic subunit; minus strand). Cytogenetic location: 12q24.33.
Variant type: single nucleotide variant.
Coding change: c.730T>C on transcript NM_006231.4 (MANE Select); coding-DNA position 730, T replaced by C.
Protein change: p.Tyr244His; replaces tyrosine 244 with histidine.
Molecular consequence: missense variant.
Genome position (GRCh38, 1-based): chr12:132,677,434, A>G on the plus strand (T>C on the coding strand, the complement: POLE is on the minus strand). VCF-style: chr12-132677434-A-G. GRCh37 (hg19) VCF-style: chr12-133254020-A-G.
Other names: short protein forms Y244H.
Identifiers: ClinVar variation 2134647 (VCV002134647.4), dbSNP rs2542177142, ClinGen allele CA387364545.
Genomic context (GRCh38, chr12:132,677,434, plus strand): 5'-CAAGGTCATCTCGGCGGGTGATTTCTACCGGAAAAGCATTTCCTCGGTATCTGACATTGT[A>G]CCAATGAGCCTGCAAAACACACAGTGTGCTAACTAGAGTTCTACATCCAGGAAAGTCTAT-3'
Protein context (NP_006222.2, residues 234-254): IDLKIHVAHW[Tyr244His]NVRYRGNAFP

ClinVar aggregate classification (germline): Uncertain significance (1 of 4 stars; one submission).

Submission:

Labcorp Genetics (formerly Invitae), Labcorp
Classification: Uncertain significance. Last evaluated: 2022-10-18. Review status: criteria provided, single submitter. Criteria: Invitae Variant Classification Sherloc (09022015). Collection method: clinical testing. Allele origin: germline.
Comment: This variant has not been reported in the literature in individuals affected with POLE-related conditions. In summary, the available evidence is currently insufficient to determine the role of this variant in disease. Therefore, it has been classified as a Variant of Uncertain Significance. Advanced modeling of protein sequence and biophysical properties (such as structural, functional, and spatial information, amino acid conservation, physicochemical variation, residue mobility, and thermodynamic stability) performed at Invitae indicates that this missense variant is expected to disrupt POLE protein function. This variant is not present in population databases (gnomAD no frequency). This sequence change replaces tyrosine, which is neutral and polar, with histidine, which is basic and polar, at codon 244 of the POLE protein (p.Tyr244His).